The following is an entry in ClinVar:

NM_001018111.3(PODXL):c.981C>T (p.Tyr327=)

Gene: PODXL (podocalyxin like; minus strand). Cytogenetic location: 7q32.3.
Variant type: single nucleotide variant.
Coding change: c.981C>T on transcript NM_001018111.3 (MANE Select); coding-DNA position 981, C replaced by T.
Protein change: p.Tyr327=; no amino-acid change (tyrosine 327 retained).
Molecular consequence: synonymous variant.
Genome position (GRCh38, 1-based): chr7:131,509,407, G>A on the plus strand (C>T on the coding strand, the complement: PODXL is on the minus strand). VCF-style: chr7-131509407-G-A. GRCh37 (hg19) VCF-style: chr7-131194166-G-A.
Other names: c.885C>T, p.Tyr295= (NM_005397.4); c.885C>T (NM_005397.3).
Identifiers: ClinVar variation 2047315 (VCV002047315.6), dbSNP rs187786761, ClinGen allele CA4488568.

ClinVar aggregate classification (germline): Benign. Review status: criteria provided, single submitter (1 of 4 stars). 2 submissions from 2 submitters: Benign (1). 1 of the submissions does not count toward it. Last evaluated 2026-01-26.

Conditions:
PODXL-related disorder. Also called: PODXL-related condition.

Allele frequency attached by ClinVar (database versions not stated): 1000 Genomes Project 30x 0.00031; gnomAD exomes 0.00036; gnomAD 0.00037; 1000 Genomes Project 0.00040; TOPMed 0.00043; ESP Exome Variant Server 0.00054; ExAC 0.00065.
gnomAD v4.1: 603 of 1,614,118 alleles (0.037%); highest among the groups gnomAD compares: Middle Eastern, 0.4%; no homozygotes.

Submissions (2):

Labcorp Genetics (formerly Invitae), Labcorp
Classification: Benign. Last evaluated: 2026-01-26. Review status: criteria provided, single submitter. Criteria: Invitae Variant Classification Sherloc (09022015). Collection method: clinical testing. Allele origin: germline.

PreventionGenetics, part of Exact Sciences
Classification: Likely benign for PODXL-related condition. Last evaluated: 2019-03-20. Review status: no assertion criteria provided. Collection method: clinical testing. Allele origin: germline. Not counted in ClinVar's aggregate classification.
Comment: This variant is classified as likely benign based on ACMG/AMP sequence variant interpretation guidelines (Richards et al. 2015 PMID: 25741868, with internal and published modifications).